The following is an entry in ClinVar:

NM_001868.4(CPA1):c.1042T>G (p.Phe348Val)

Gene: CPA1 (carboxypeptidase A1; plus strand). Cytogenetic location: 7q32.2.
Variant type: single nucleotide variant.
Coding change: c.1042T>G on transcript NM_001868.4 (MANE Select); coding-DNA position 1042, T replaced by G.
Protein change: p.Phe348Val; replaces phenylalanine 348 with valine.
Molecular consequence: missense variant.
Genome position (GRCh38, 1-based): chr7:130,385,893, T>G. VCF-style: chr7-130385893-T-G. GRCh37 (hg19) VCF-style: chr7-130025734-T-G.
Other names: short protein forms F348V.
Identifiers: ClinVar variation 1774626 (VCV001774626.4), dbSNP rs1554411963, ClinGen allele CA369284083.

ClinVar aggregate classification (germline): Uncertain significance (1 of 4 stars; one submission).

Conditions:
Hereditary pancreatitis (PCTT). Also called: Hereditary chronic pancreatitis; PRSS1-Related Hereditary Pancreatitis. Identifiers: Orphanet 676, MedGen C0238339, MONDO:0008185, OMIM 167800.

Allele frequency attached by ClinVar (database versions not stated): gnomAD exomes 0.00001.

Submission:

Ambry Genetics
Classification: Uncertain significance for Hereditary pancreatitis. Last evaluated: 2025-05-23. Review status: criteria provided, single submitter. Criteria: Ambry Variant Classification Scheme 2023. Collection method: clinical testing. Allele origin: germline.
Comment: The p.F348V variant (also known as c.1042T>G), located in coding exon 9 of the CPA1 gene, results from a T to G substitution at nucleotide position 1042. The phenylalanine at codon 348 is replaced by valine, an amino acid with highly similar properties. This amino acid position is poorly conserved in available vertebrate species. In addition, this alteration is predicted to be tolerated by in silico analysis. Since supporting evidence is limited at this time, the clinical significance of this alteration remains unclear.